The following is an entry in ClinVar:

ClinVar aggregate classification (germline): Uncertain significance (1 of 4 stars; one submission).

Conditions:
Dilated cardiomyopathy 1G (CMD1G). Identifiers: Orphanet 154, MedGen C1858763, MONDO:0011400, OMIM 604145.
Autosomal recessive limb-girdle muscular dystrophy type 2J (LGMDR10). Also called: Limb-girdle muscular dystrophy, type 2J; MUSCULAR DYSTROPHY, LIMB-GIRDLE, AUTOSOMAL RECESSIVE 10. Identifiers: Orphanet 140922, MedGen C1837342, MONDO:0012127, OMIM 608807.

gnomAD v4.1: 1 of 1,613,758 alleles (0.000062%); highest among the groups gnomAD compares: Admixed American, 0.0017%; no homozygotes.

Submission:

Labcorp Genetics (formerly Invitae), Labcorp
Classification: Uncertain significance for Dilated cardiomyopathy 1G; Autosomal recessive limb-girdle muscular dystrophy type 2J. Last evaluated: 2024-11-28. Review status: criteria provided, single submitter. Criteria: Invitae Variant Classification Sherloc (09022015). Collection method: clinical testing. Allele origin: germline.
Comment: This sequence change replaces tyrosine, which is neutral and polar, with histidine, which is basic and polar, at codon 35199 of the TTN protein (p.Tyr35199His). This variant is not present in population databases (gnomAD no frequency). This variant has not been reported in the literature in individuals affected with TTN-related conditions. Experimental studies and prediction algorithms are not available or were not evaluated, and the functional significance of this variant is currently unknown. This variant is located in the M band of TTN (PMID: 25589632). Non-truncating variants in this region may be relevant for neuromuscular disorders, but have not been definitively shown to cause cardiomyopathy (PMID: 23975875). In summary, the available evidence is currently insufficient to determine the role of this variant in disease. Therefore, it has been classified as a Variant of Uncertain Significance.

Literature cited by the submitters: PubMed 25589632; PubMed 23975875.

NM_001267550.2(TTN):c.105595T>C (p.Tyr35199His)

Genes: TTN-AS1 (TTN antisense RNA 1; plus strand), TTN (titin; minus strand), LOC129935183 (ATAC-STARR-seq lymphoblastoid active region 16808; plus strand). Cytogenetic location: 2q31.2.
Variant type: single nucleotide variant.
Coding change: c.105595T>C on transcript NM_001267550.2 (MANE Select); coding-DNA position 105595, T replaced by C.
Protein change: p.Tyr35199His; replaces tyrosine 35199 with histidine.
Molecular consequence: missense variant.
Genome position (GRCh38, 1-based): chr2:178,531,020, A>G on the plus strand (T>C on the coding strand, the complement: TTN is on the minus strand). VCF-style: chr2-178531020-A-G. GRCh37 (hg19) VCF-style: chr2-179395747-A-G.
Other names: c.100672T>C, p.Tyr33558His (NM_001256850.1); c.78400T>C, p.Tyr26134His (NM_003319.4); c.97891T>C, p.Tyr32631His (NM_133378.4); c.78775T>C, p.Tyr26259His (NM_133432.3); c.78976T>C, p.Tyr26326His (NM_133437.4); short protein forms Y26134H, Y26259H, Y26326H, Y32631H, Y33558H, Y35199H.
Identifiers: ClinVar variation 3749522 (VCV003749522.2).